The following is an entry in ClinVar:

ClinVar aggregate classification (germline): Uncertain significance (1 of 4 stars; one submission).

Conditions:
Fanconi anemia (FA). Also called: Fanconi's anemia. Identifiers: Orphanet 84, MedGen C0015625, MeSH D005199, MONDO:0019391.

Allele frequency attached by ClinVar (database versions not stated): gnomAD exomes below 0.00001.
gnomAD v4.1: 1 of 1,533,168 alleles (0.000065%); highest among the groups gnomAD compares: Non-Finnish European, 0.00009%; no homozygotes.

Submission:

Labcorp Genetics (formerly Invitae), Labcorp
Classification: Uncertain significance for Fanconi anemia. Last evaluated: 2022-04-18. Review status: criteria provided, single submitter. Criteria: Invitae Variant Classification Sherloc (09022015). Collection method: clinical testing. Allele origin: germline.
Comment: In summary, the available evidence is currently insufficient to determine the role of this variant in disease. Therefore, it has been classified as a Variant of Uncertain Significance. Variants that disrupt the consensus splice site are a relatively common cause of aberrant splicing (PMID: 17576681, 9536098). Algorithms developed to predict the effect of sequence changes on RNA splicing suggest that this variant may disrupt the consensus splice site. This variant has not been reported in the literature in individuals affected with FANCC-related conditions. This variant is not present in population databases (gnomAD no frequency). This sequence change falls in intron 5 of the FANCC gene. It does not directly change the encoded amino acid sequence of the FANCC protein. It affects a nucleotide within the consensus splice site.

Literature cited by the submitters: PubMed 17576681; PubMed 9536098.

NM_000136.3(FANCC):c.456+6T>C

Gene: FANCC (FA complementation group C; minus strand). Cytogenetic location: 9q22.32.
Variant type: single nucleotide variant.
Coding change: c.456+6T>C on transcript NM_000136.3 (MANE Select); 6 bases into the intron after coding-DNA position 456, T replaced by C.
Molecular consequence: intron variant.
Genome position (GRCh38, 1-based): chr9:95,172,031, A>G on the plus strand (T>C on the coding strand, the complement: FANCC is on the minus strand). VCF-style: chr9-95172031-A-G. GRCh37 (hg19) VCF-style: chr9-97934313-A-G.
Other names: c.456+6T>C (NM_001243743.2, NM_001243744.2).
Identifiers: ClinVar variation 1915996 (VCV001915996.5), dbSNP rs2541947963, ClinGen allele CA2580080688.